The following is an entry in ClinVar:

ClinVar aggregate classification (germline): Uncertain significance (1 of 4 stars; one submission).

Submission:

Labcorp Genetics (formerly Invitae), Labcorp
Classification: Uncertain significance. Last evaluated: 2022-06-07. Review status: criteria provided, single submitter. Criteria: Invitae Variant Classification Sherloc (09022015). Collection method: clinical testing. Allele origin: germline.
Comment: This sequence change creates a premature translational stop signal (p.His54Profs*33) in the OR2W3 gene. While this is not anticipated to result in nonsense mediated decay, it is expected to disrupt the last 261 amino acid(s) of the OR2W3 protein. This variant is not present in population databases (gnomAD no frequency). This variant has not been reported in the literature in individuals affected with OR2W3-related conditions. Experimental studies and prediction algorithms are not available or were not evaluated, and the functional significance of this variant is currently unknown. In summary, the available evidence is currently insufficient to determine the role of this variant in disease. Therefore, it has been classified as a Variant of Uncertain Significance.

NM_001001957.2(OR2W3):c.160dup (p.His54fs)

Gene: OR2W3 (olfactory receptor family 2 subfamily W member 3; plus strand). Cytogenetic location: 1q44.
Variant type: Duplication.
Coding change: c.160dup on transcript NM_001001957.2 (MANE Select); coding-DNA position 160, one base duplicated (C; older notation c.160dupC).
Protein change: p.His54fs; shifts the reading frame from histidine 54.
Molecular consequence: frameshift variant.
Genome position (GRCh38, 1-based): chr1:247,895,746, C duplicated; the last of 5 consecutive C bases (chr1:247,895,742-247,895,746); duplicating any one gives the same sequence. VCF-style (leftmost placement, unchanged base first): chr1-247895741-A-AC. GRCh37 (hg19) VCF-style: chr1-248059043-A-AC.
Other names: short protein forms H54fs.
Identifiers: ClinVar variation 2002581 (VCV002002581.4), dbSNP rs1162787930, ClinGen allele CA2580063580.